The following is an entry in ClinVar:

ClinVar aggregate classification (germline): Pathogenic/Likely pathogenic. Review status: criteria provided, multiple submitters, no conflicts (2 of 4 stars). 2 submissions from 2 submitters: Pathogenic (1); Likely pathogenic (1). Last evaluated 2025-01-17.

Conditions:
Trichorhinophalangeal syndrome, type III (TRPS3). Also called: SUGIO-KAJII SYNDROME. Identifiers: Orphanet 77258, MedGen C1860823, OMIM 190351, MONDO:0008597.
Trichorhinophalangeal dysplasia type I (TRPS1). Also called: TRICHORHINOPHALANGEAL SYNDROME, TYPE I; TRPS I. Identifiers: Orphanet 77258, MedGen C0432233, MONDO:0008596, OMIM 190350.

Submissions (2):

GeneDx
Classification: Likely pathogenic. Last evaluated: 2025-01-17. Review status: criteria provided, single submitter. Criteria: GeneDx Variant Classification Process June 2021. Collection method: clinical testing. Allele origin: germline. Affected: yes.
Comment: Identified in a cohort of patients with skeletal disorders in published literature (PMID: 38702915) but additional evidence is not available; Frameshift variant predicted to result in abnormal protein length as the last 314 amino acids are replaced with 3 different amino acids, and other similar variants have been reported in HGMD; Not observed at significant frequency in large population cohorts (gnomAD); This variant is associated with the following publications: (PMID: 38702915)

Labcorp Genetics (formerly Invitae), Labcorp
Classification: Pathogenic for Trichorhinophalangeal syndrome, type III; Trichorhinophalangeal dysplasia type I. Last evaluated: 2022-05-10. Review status: criteria provided, single submitter. Criteria: Invitae Variant Classification Sherloc (09022015). Collection method: clinical testing. Allele origin: germline.
Comment: This variant is not present in population databases (gnomAD no frequency). This variant disrupts a region of the TRPS1 protein in which other variant(s) (p.Gly1187Alafs*22) have been determined to be pathogenic (Invitae). This suggests that this is a clinically significant region of the protein, and that variants that disrupt it are likely to be disease-causing. This variant has not been reported in the literature in individuals affected with TRPS1-related conditions. This sequence change creates a premature translational stop signal (p.Arg981Glyfs*4) in the TRPS1 gene. While this is not anticipated to result in nonsense mediated decay, it is expected to disrupt the last 314 amino acid(s) of the TRPS1 protein. For these reasons, this variant has been classified as Pathogenic.

NM_014112.5(TRPS1):c.2941_2942del (p.Arg981fs)

Gene: TRPS1 (transcriptional repressor GATA binding 1; minus strand). Cytogenetic location: 8q23.3.
Variant type: Microsatellite.
Coding change: c.2941_2942del on transcript NM_014112.5 (MANE Select); coding-DNA positions 2941 to 2942, 2 bases deleted (AG; older notation c.2941_2942delAG).
Protein change: p.Arg981fs; shifts the reading frame from arginine 981.
Molecular consequence: frameshift variant.
Genome position (GRCh38, 1-based): chr8:115,414,966-115,414,967, CT deleted on the plus strand (AG on the coding strand, the reverse complement: TRPS1 is on the minus strand); deleting any 2 consecutive bases within chr8:115,414,966-115,414,969 gives the same sequence; the c. name uses the placement nearest the transcript's 3' end. VCF-style (leftmost placement, unchanged base first): chr8-115414965-CCT-C. GRCh37 (hg19) VCF-style: chr8-116427193-CCT-C.
Other names: c.2914_2915del, p.Arg972fs (NM_001282902.3); c.2920_2921del, p.Arg974fs (NM_001282903.3); c.2902_2903del, p.Arg968fs (NM_001330599.2); c.2941_2942del (NM_014112.2); short protein forms R974fs, R981fs, R968fs, R972fs.
Identifiers: ClinVar variation 2117582 (VCV002117582.5), dbSNP rs2536583024, ClinGen allele CA2580617219.
Genomic context (GRCh38, chr8:115,414,965, plus strand): 5'-TAGATGATCTTCTGACCTCCTCTCTAACGGGCTTCCATTGACTTGCTCCTCATTGCTGCC[CCT>C]CTGCTGTTTGTTGAGCTGCTCAGCCTGAAGTGCCTCTGGGTTAAGGCGCTTTCTTGTTCT-3'